The following is an entry in ClinVar:

NM_001134831.2(AHI1):c.989A>T (p.Asp330Val)

Gene: AHI1 (Abelson helper integration site 1; minus strand). Cytogenetic location: 6q23.3.
Variant type: single nucleotide variant.
Coding change: c.989A>T on transcript NM_001134831.2 (MANE Select); coding-DNA position 989, A replaced by T.
Protein change: p.Asp330Val; replaces aspartic acid 330 with valine.
Molecular consequence: missense variant.
Genome position (GRCh38, 1-based): chr6:135,457,656, T>A on the plus strand (A>T on the coding strand, the complement: AHI1 is on the minus strand). VCF-style: chr6-135457656-T-A. GRCh37 (hg19) VCF-style: chr6-135778794-T-A.
Other names: c.989A>T, p.Asp330Val (NM_001134830.2, NM_001134832.2, NM_001350503.2 and 2 more transcripts); short protein forms D330V.
Identifiers: ClinVar variation 1497353 (VCV001497353.5), dbSNP rs200201741, ClinGen allele CA365747924.
Genomic context (GRCh38, chr6:135,457,656, plus strand): 5'-TGAATGTAAACTCCCAAGACAAGGTCATCATCAAGCAAACATTTGGGATAAACCGGGCTA[T>A]CTCGGCTTGTTATTTCATGAACACCATCACCATCAACATCTTCATTATTATCTGCAACTA-3'
Protein context (NP_001128303.1, residues 320-340): GDGVHEITSR[Asp330Val]SPVYPKCLLD

ClinVar aggregate classification (germline): Uncertain significance (1 of 4 stars; one submission).

Conditions:
Joubert syndrome. Also called: CEREBELLOPARENCHYMAL DISORDER IV; JOUBERT-BOLTSHAUSER SYNDROME; Familial aplasia of the vermis. Identifiers: Orphanet 475, MedGen C5979921, MONDO:0018772.

Submission:

Labcorp Genetics (formerly Invitae), Labcorp
Classification: Uncertain significance for Joubert syndrome. Last evaluated: 2021-08-27. Review status: criteria provided, single submitter. Criteria: Invitae Variant Classification Sherloc (09022015). Collection method: clinical testing. Allele origin: germline.
Comment: This sequence change replaces aspartic acid with valine at codon 330 of the AHI1 protein (p.Asp330Val). The aspartic acid residue is moderately conserved and there is a large physicochemical difference between aspartic acid and valine. This variant is not present in population databases (ExAC no frequency). This variant has not been reported in the literature in individuals affected with AHI1-related conditions. Advanced modeling of protein sequence and biophysical properties (such as structural, functional, and spatial information, amino acid conservation, physicochemical variation, residue mobility, and thermodynamic stability) performed at Invitae indicates that this missense variant is not expected to disrupt AHI1 protein function. In summary, the available evidence is currently insufficient to determine the role of this variant in disease. Therefore, it has been classified as a Variant of Uncertain Significance.